The following is an entry in ClinVar:

ClinVar aggregate classification (germline): Uncertain significance. Review status: reviewed by expert panel (3 of 4 stars). 3 submissions from 3 submitters: Uncertain significance (1). 2 of the submissions do not count toward it. Last evaluated 2024-07-03.

Conditions:
Hereditary antithrombin deficiency (AT3D). Also called: Antithrombin III deficiency; Thrombophilia due to antithrombin III deficiency; Reduced antithrombin III activity; Antithrombin deficiency. Identifiers: Orphanet 82, MedGen C0272375, MONDO:0013144, OMIM 613118, HP:0001976.

Allele frequency attached by ClinVar (database versions not stated): gnomAD exomes 0.00001 and 0.00003; ExAC 0.00002; TOPMed 0.00002; gnomAD 0.00003.
gnomAD v4.1: 24 of 1,614,048 alleles (0.0015%); highest among the groups gnomAD compares: Admixed American, 0.005%; no homozygotes.

Submissions (3):

Clingen Thrombosis Variant Curation Expert Panel, ClinGen
Classification: Uncertain significance for Hereditary antithrombin deficiency. Last evaluated: 2024-07-03. Review status: reviewed by expert panel. Criteria: ClinGen ACMG Specifications SERPINC1 V1.0.0. Collection method: curation. Allele origin: germline. Inheritance: Autosomal dominant inheritance.
Comment: The c.100G>A (NM_000488.3) variant in SERPINC1 is a missense variant predicted to cause substitution of glycine by arginine at amino acid 6 (p.Gly34Arg). The computational predictor REVEL gives a score of 0.115, which is below the threshold of 0.3, and the splice site predictor Splice AI indicate that the variant has no impact on splicing, which suggests that the variant does not impact SERPINC1 function (BP4). In summary, based on the evidence available at this time, the clinical significance of this variant is uncertain. ACMG/AMP criteria applied, as specified by the Thrombosis Variant Curation Expert Panel for AT Deficiency for SERPINC1: BP4.

Fulgent Genetics
Classification: Uncertain significance for Hereditary antithrombin deficiency. Last evaluated: 2021-09-21. Review status: criteria provided, single submitter. Criteria: ACMG Guidelines, 2015. Collection method: clinical testing. Allele origin: unknown. Not counted in ClinVar's aggregate classification.

Dubai Health Genomic Medicine Center, Dubai Health
Classification: Uncertain significance for Hereditary antithrombin deficiency. Last evaluated: 2019-12-30. Review status: criteria provided, single submitter. Criteria: ACMG Guidelines, 2015. Collection method: clinical testing. Allele origin: germline. Affected: yes. Not counted in ClinVar's aggregate classification.

NM_000488.4(SERPINC1):c.100G>A (p.Gly34Arg)

Gene: SERPINC1 (serpin family C member 1; minus strand). Cytogenetic location: 1q25.1.
Variant type: single nucleotide variant.
Coding change: c.100G>A on transcript NM_000488.4 (MANE Select); coding-DNA position 100, G replaced by A.
Protein change: p.Gly34Arg; replaces glycine 34 with arginine.
Molecular consequence: missense variant. On other transcripts: 5 prime UTR variant (1).
Genome position (GRCh38, 1-based): chr1:173,914,861, C>T on the plus strand (G>A on the coding strand, the complement: SERPINC1 is on the minus strand). VCF-style: chr1-173914861-C-T. GRCh37 (hg19) VCF-style: chr1-173883999-C-T.
Other names: NM_000488.4(SERPINC1):c.100G>A; p.Gly34Arg; c.-45G>A (NM_001365052.2); c.100G>A, p.Gly34Arg (NM_001386302.1, NM_001386304.1, NM_001386305.1 and 1 more transcripts); c.181G>A, p.Gly61Arg (NM_001386303.1); short protein forms G34R, G61R.
Identifiers: ClinVar variation 1301540 (VCV001301540.5), dbSNP rs773254902, ClinGen allele CA1251467.